The following is an entry in ClinVar:

ClinVar aggregate classification (germline): Uncertain significance (1 of 4 stars; one submission).

Submission:

Labcorp Genetics (formerly Invitae), Labcorp
Classification: Uncertain significance. Last evaluated: 2022-07-19. Review status: criteria provided, single submitter. Criteria: Invitae Variant Classification Sherloc (09022015). Collection method: clinical testing. Allele origin: germline.
Comment: In summary, the available evidence is currently insufficient to determine the role of this variant in disease. Therefore, it has been classified as a Variant of Uncertain Significance. Algorithms developed to predict the effect of sequence changes on RNA splicing suggest that this variant may disrupt the consensus splice site. ClinVar contains an entry for this variant (Variation ID: 1364526). This variant has not been reported in the literature in individuals affected with USH2A-related conditions. This variant is not present in population databases (gnomAD no frequency). This sequence change falls in intron 64 of the USH2A gene. It does not directly change the encoded amino acid sequence of the USH2A protein.

NM_206933.4(USH2A):c.14134-16T>A

Gene: USH2A (usherin; minus strand). Cytogenetic location: 1q41.
Variant type: single nucleotide variant.
Coding change: c.14134-16T>A on transcript NM_206933.4 (MANE Select); 16 bases into the intron before coding-DNA position 14134, T replaced by A.
Molecular consequence: intron variant.
Genome position (GRCh38, 1-based): chr1:215,650,817, A>T on the plus strand (T>A on the coding strand, the complement: USH2A is on the minus strand). VCF-style: chr1-215650817-A-T. GRCh37 (hg19) VCF-style: chr1-215824159-A-T.
Identifiers: ClinVar variation 1364526 (VCV001364526.8), dbSNP rs1657048929, ClinGen allele CA2573131567.